The following is an entry in ClinVar:

NM_003611.3(OFD1):c.2757+4A>G

Gene: OFD1 (OFD1 centriole and centriolar satellite protein; plus strand). Cytogenetic location: Xp22.2.
Variant type: single nucleotide variant.
Coding change: c.2757+4A>G on transcript NM_003611.3 (MANE Select); 4 bases into the intron after coding-DNA position 2757, A replaced by G.
Molecular consequence: intron variant.
Genome position (GRCh38, 1-based): chrX:13,767,288, A>G. VCF-style: chrX-13767288-A-G. GRCh37 (hg19) VCF-style: chrX-13785407-A-G.
Other names: c.2337+4A>G (NM_001330210.2); c.2646+4A>G (NM_001440947.1); c.2637+4A>G (NM_001330209.2); c.2526+4A>G (NM_001440948.1).
Identifiers: ClinVar variation 4879405 (VCV004879405.1).
Genomic context (GRCh38, chrX:13,767,288, plus strand): 5'-CTACAAGAAGTTTTAGAAAGGGAACGAAGAGAACTAGAAAAACTGTATCAGGAAAGGGTA[A>G]TAAGTATGACTTGATTCTCTGAACTGGTTGCTCCATTGTACACCTTTCGTAAGTACATTG-3'

ClinVar aggregate classification (germline): Uncertain significance (1 of 4 stars; one submission).

Conditions:
Orofaciodigital syndrome I (OFD1). Also called: OFDS I; Papillon-Leage and Psaume Syndrome; Oral-Facial-Digital Syndrome Type I. Identifiers: Orphanet 2750, MedGen C1510460, MONDO:0010702, OMIM 311200.

Submission:

Institute of Human Genetics, University of Leipzig Medical Center
Classification: Uncertain significance for Orofaciodigital syndrome I. Last evaluated: 2026-07-07. Review status: criteria provided, single submitter. Criteria: ACMG Guidelines, 2015. Collection method: clinical testing. Allele origin: maternal. Inheritance: X-linked dominant inheritance. Affected: yes.
Comment: Criteria applied: PM2,PP3